The following is an entry in ClinVar:

NM_001349253.2(SCN11A):c.686C>G (p.Ala229Gly)

Gene: SCN11A (sodium voltage-gated channel alpha subunit 11; minus strand). Cytogenetic location: 3p22.2.
Variant type: single nucleotide variant.
Coding change: c.686C>G on transcript NM_001349253.2 (MANE Select); coding-DNA position 686, C replaced by G.
Protein change: p.Ala229Gly; replaces alanine 229 with glycine.
Molecular consequence: missense variant.
Genome position (GRCh38, 1-based): chr3:38,925,441, G>C on the plus strand (C>G on the coding strand, the complement: SCN11A is on the minus strand). VCF-style: chr3-38925441-G-C. GRCh37 (hg19) VCF-style: chr3-38966932-G-C.
Other names: c.686C>G, p.Ala229Gly (NM_014139.3); short protein forms A229G.
Identifiers: ClinVar variation 1422708 (VCV001422708.10), dbSNP rs2125552666, ClinGen allele CA352173195.

ClinVar aggregate classification (germline): Uncertain significance. Review status: criteria provided, multiple submitters, no conflicts (2 of 4 stars). 2 submissions from 2 submitters: Uncertain significance (2). Last evaluated 2021-08-26.

Conditions:
Hereditary sensory and autonomic neuropathy type 7. Also called: Neuropathy, hereditary sensory and autonomic, type VII; HSAN VII. Identifiers: Orphanet 391397, MedGen C3809882, MONDO:0014244, OMIM 615548.
Familial episodic pain syndrome with predominantly lower limb involvement. Also called: Episodic pain syndrome, familial, 3. Identifiers: Orphanet 391384, Orphanet 391392, MedGen C3809899, MONDO:0014247, OMIM 615552.
Inborn genetic diseases. Identifiers: MedGen C0950123, MeSH D030342.

Allele frequency attached by ClinVar (database versions not stated): gnomAD exomes below 0.00001.
gnomAD v4.1: 3 of 1,613,146 alleles (0.00019%); highest among the groups gnomAD compares: Non-Finnish European, 0.00025%; no homozygotes.

Submissions (2):

Labcorp Genetics (formerly Invitae), Labcorp
Classification: Uncertain significance for Familial episodic pain syndrome with predominantly lower limb involvement; Hereditary sensory and autonomic neuropathy type 7. Last evaluated: 2021-08-26. Review status: criteria provided, single submitter. Criteria: Invitae Variant Classification Sherloc (09022015). Collection method: clinical testing. Allele origin: germline.
Comment: This sequence change replaces alanine with glycine at codon 229 of the SCN11A protein (p.Ala229Gly). The alanine residue is highly conserved and there is a small physicochemical difference between alanine and glycine. This variant is not present in population databases (ExAC no frequency). In summary, the available evidence is currently insufficient to determine the role of this variant in disease. Therefore, it has been classified as a Variant of Uncertain Significance. Algorithms developed to predict the effect of sequence changes on RNA splicing suggest that this variant may create or strengthen a splice site. Algorithms developed to predict the effect of missense changes on protein structure and function (SIFT, PolyPhen-2, Align-GVGD) all suggest that this variant is likely to be disruptive. This variant has not been reported in the literature in individuals affected with SCN11A-related conditions.

Ambry Genetics
Classification: Uncertain significance for Inborn genetic diseases. Last evaluated: 2020-06-23. Review status: criteria provided, single submitter. Criteria: Ambry Variant Classification Scheme 2023. Collection method: clinical testing. Allele origin: germline.
Comment: The p.A229G variant (also known as c.686C>G), located in coding exon 5 of the SCN11A gene, results from a C to G substitution at nucleotide position 686. The alanine at codon 229 is replaced by glycine, an amino acid with similar properties. This amino acid position is well conserved in available vertebrate species. In addition, this alteration is predicted to be deleterious by in silico analysis. Since supporting evidence is limited at this time, the clinical significance of this alteration remains unclear.